The following is an entry in ClinVar:

ClinVar aggregate classification (germline): Likely benign (1 of 4 stars; one submission).

Allele frequency attached by ClinVar (database versions not stated): 1000 Genomes Project 30x 0.00312; ExAC 0.00314; 1000 Genomes Project 0.00319; gnomAD 0.00348; TOPMed 0.00352; gnomAD exomes 0.00399.
gnomAD v4.1: 1,803 of 473,466 alleles (0.38%); highest among the groups gnomAD compares: Non-Finnish European, 0.6%; 11 homozygotes.

Submission:

CeGaT Center for Human Genetics Tuebingen
Classification: Likely benign. Last evaluated: 2023-03-01. Review status: criteria provided, single submitter. Criteria: CeGaT Center For Human Genetics Tuebingen Variant Classification Criteria Version 2. Collection method: clinical testing. Allele origin: germline. Affected: yes. Observed: 1 variant allele.
Comment: CLCN1: BS2

NM_000083.3(CLCN1):c.774+464C>T

Gene: CLCN1 (chloride voltage-gated channel 1; plus strand). Cytogenetic location: 7q34.
Variant type: single nucleotide variant.
Coding change: c.774+464C>T on transcript NM_000083.3 (MANE Select); 464 bases into the intron after coding-DNA position 774, C replaced by T.
Molecular consequence: intron variant.
Genome position (GRCh38, 1-based): chr7:143,323,850, C>T. VCF-style: chr7-143323850-C-T. GRCh37 (hg19) VCF-style: chr7-143020943-C-T.
Identifiers: ClinVar variation 2658115 (VCV002658115.24), dbSNP rs188773888, ClinGen allele CA4537109.